The following is an entry in ClinVar:

NM_021930.6(RINT1):c.1696G>A (p.Ala566Thr)

Gene: RINT1 (RAD50 interactor 1; plus strand). Cytogenetic location: 7q22.3.
Variant type: single nucleotide variant.
Coding change: c.1696G>A on transcript NM_021930.6 (MANE Select); coding-DNA position 1696, G replaced by A.
Protein change: p.Ala566Thr; replaces alanine 566 with threonine.
Molecular consequence: missense variant. On other transcripts: non-coding transcript variant (1).
Genome position (GRCh38, 1-based): chr7:105,563,757, G>A. VCF-style: chr7-105563757-G-A. GRCh37 (hg19) VCF-style: chr7-105204204-G-A.
Other names: c.1462G>A, p.Ala488Thr (NM_001346599.2); c.673G>A, p.Ala225Thr (NM_001346600.2, NM_001346603.2); c.772G>A, p.Ala258Thr (NM_001346601.2); short protein forms A566T, A225T, A488T, A258T.
Identifiers: ClinVar variation 241399 (VCV000241399.14), dbSNP rs371226458, ClinGen allele CA4426757.

ClinVar aggregate classification (germline): Uncertain significance. Review status: criteria provided, multiple submitters, no conflicts (2 of 4 stars). 2 submissions from 2 submitters: Uncertain significance (2). Last evaluated 2025-05-03.

Allele frequency attached by ClinVar (database versions not stated): gnomAD exomes 0.00001 and 0.00003; ExAC 0.00004; TOPMed 0.00009; gnomAD 0.00012; ESP Exome Variant Server 0.00015.
gnomAD v4.1: 26 of 1,614,018 alleles (0.0016%); highest among the groups gnomAD compares: African/African-American, 0.035%; no homozygotes.

Submissions (2):

Ambry Genetics
Classification: Uncertain significance. Last evaluated: 2025-05-03. Review status: criteria provided, single submitter. Criteria: Ambry Variant Classification Scheme 2023. Collection method: clinical testing. Allele origin: germline.

Labcorp Genetics (formerly Invitae), Labcorp
Classification: Uncertain significance. Last evaluated: 2024-01-30. Review status: criteria provided, single submitter. Criteria: Invitae Variant Classification Sherloc (09022015). Collection method: clinical testing. Allele origin: germline.
Comment: This sequence change replaces alanine, which is neutral and non-polar, with threonine, which is neutral and polar, at codon 566 of the RINT1 protein (p.Ala566Thr). This variant is present in population databases (rs371226458, gnomAD 0.05%). This variant has not been reported in the literature in individuals affected with RINT1-related conditions. ClinVar contains an entry for this variant (Variation ID: 241399). An algorithm developed to predict the effect of missense changes on protein structure and function (PolyPhen-2) suggests that this variant is likely to be disruptive. In summary, the available evidence is currently insufficient to determine the role of this variant in disease. Therefore, it has been classified as a Variant of Uncertain Significance.